The following is an entry in ClinVar:

NM_002335.4(LRP5):c.819_820del (p.Glu273fs)

Gene: LRP5 (LDL receptor related protein 5; plus strand). Cytogenetic location: 11q13.2.
Variant type: Microsatellite.
Coding change: c.819_820del on transcript NM_002335.4 (MANE Select); coding-DNA positions 819 to 820, 2 bases deleted (GA; older notation c.819_820delGA).
Protein change: p.Glu273fs; shifts the reading frame from glutamic acid 273.
Molecular consequence: frameshift variant. On other transcripts: 5 prime UTR variant (1).
Genome position (GRCh38, 1-based): chr11:68,363,879-68,363,880, GA deleted; deleting any 2 consecutive bases within chr11:68,363,877-68,363,880 gives the same sequence; the c. name uses the placement nearest the transcript's 3' end. VCF-style (leftmost placement, unchanged base first): chr11-68363876-GGA-G. GRCh37 (hg19) VCF-style: chr11-68131344-GGA-G.
Other names: c.-949GA[1] (NM_001291902.2); short protein forms E273fs.
Identifiers: ClinVar variation 3686679 (VCV003686679.2).

ClinVar aggregate classification (germline): Pathogenic (1 of 4 stars; one submission).

Submission:

Labcorp Genetics (formerly Invitae), Labcorp
Classification: Pathogenic. Last evaluated: 2024-11-18. Review status: criteria provided, single submitter. Criteria: Invitae Variant Classification Sherloc (09022015). Collection method: clinical testing. Allele origin: germline.
Comment: This sequence change creates a premature translational stop signal (p.Glu273Aspfs*27) in the LRP5 gene. It is expected to result in an absent or disrupted protein product. Loss-of-function variants in LRP5 are known to be pathogenic (PMID: 11719191, 16252235, 25711638). This variant is not present in population databases (gnomAD no frequency). This variant has not been reported in the literature in individuals affected with LRP5-related conditions. For these reasons, this variant has been classified as Pathogenic.

Literature cited by the submitters: PubMed 11719191; PubMed 16252235; PubMed 25711638.